The following is an entry in ClinVar:

NM_001136191.3(KANK2):c.288C>T (p.Arg96=)

Gene: KANK2 (KN motif and ankyrin repeat domains 2; minus strand). Cytogenetic location: 19p13.2.
Variant type: single nucleotide variant.
Coding change: c.288C>T on transcript NM_001136191.3 (MANE Select); coding-DNA position 288, C replaced by T.
Protein change: p.Arg96=; no amino-acid change (arginine 96 retained).
Molecular consequence: synonymous variant.
Genome position (GRCh38, 1-based): chr19:11,193,792, G>A on the plus strand (C>T on the coding strand, the complement: KANK2 is on the minus strand). VCF-style: chr19-11193792-G-A. GRCh37 (hg19) VCF-style: chr19-11304468-G-A.
Other names: c.288C>T, p.Arg96= (NM_001329451.2, NM_001379548.1, NM_001379549.1 and 15 more transcripts).
Identifiers: ClinVar variation 4980656 (VCV004980656.1).
Genomic context (GRCh38, chr19:11,193,792, plus strand): 5'-GGTCTCCAGAGCACCATACTGAGGGTAGAAGCCACGGCCGCAGTAGGAATAGGCTGAGTG[G>A]CGGCTGTCCCCACTGGCATTGGAGCACAGCGACTCAGTGGACGTCCACCAGGAGCCAGGG-3'
Protein context (NP_001129663.1, residues 86-106): SLCSNASGDS[Arg96=]HSAYSYCGRG

ClinVar aggregate classification (germline): Likely benign (1 of 4 stars; one submission).

Conditions:
KANK2-related disorder. Also called: KANK2-related condition.

gnomAD v4.1: 11 of 1,612,572 alleles (0.00068%); highest among the groups gnomAD compares: Non-Finnish European, 0.00093%; no homozygotes.

Submission:

PreventionGenetics, part of Exact Sciences
Classification: Likely benign for KANK2-related condition. Last evaluated: 2026-08-26. Review status: criteria provided, single submitter. Criteria: ACMG Guidelines, 2015. Collection method: clinical testing. Allele origin: germline.
Comment: This variant is classified as likely benign based on ACMG/AMP sequence variant interpretation guidelines (Richards et al. 2015 PMID: 25741868, with internal and published modifications).